The following is an entry in ClinVar:

ClinVar aggregate classification (germline): Uncertain significance. Review status: criteria provided, multiple submitters, no conflicts (2 of 4 stars). 2 submissions from 2 submitters: Uncertain significance (2). Last evaluated 2024-12-06.

Conditions:
Inborn genetic diseases. Identifiers: MedGen C0950123, MeSH D030342.

Allele frequency attached by ClinVar (database versions not stated): gnomAD exomes 0.00003 and 0.00006; ExAC 0.00002; gnomAD 0.00003; TOPMed 0.00002.
gnomAD v4.1: 25 of 1,614,120 alleles (0.0015%); highest among the groups gnomAD compares: Admixed American, 0.037%; no homozygotes.

Submissions (2):

Ambry Genetics
Classification: Uncertain significance for Inborn genetic diseases. Last evaluated: 2024-12-06. Review status: criteria provided, single submitter. Criteria: Ambry Variant Classification Scheme 2023. Collection method: clinical testing. Allele origin: germline.

Labcorp Genetics (formerly Invitae), Labcorp
Classification: Uncertain significance. Last evaluated: 2022-01-15. Review status: criteria provided, single submitter. Criteria: Invitae Variant Classification Sherloc (09022015). Collection method: clinical testing. Allele origin: germline.
Comment: This sequence change replaces valine, which is neutral and non-polar, with phenylalanine, which is neutral and non-polar, at codon 493 of the EXTL3 protein (p.Val493Phe). This variant is present in population databases (rs769679440, gnomAD 0.04%). This variant has not been reported in the literature in individuals affected with EXTL3-related conditions. Algorithms developed to predict the effect of missense changes on protein structure and function are either unavailable or do not agree on the potential impact of this missense change (SIFT: "Deleterious"; PolyPhen-2: "Benign"; Align-GVGD: "Class C0"). In summary, the available evidence is currently insufficient to determine the role of this variant in disease. Therefore, it has been classified as a Variant of Uncertain Significance.

NM_001440.4(EXTL3):c.1477G>T (p.Val493Phe)

Gene: EXTL3 (exostosin like glycosyltransferase 3; plus strand). Cytogenetic location: 8p21.1.
Variant type: single nucleotide variant.
Coding change: c.1477G>T on transcript NM_001440.4 (MANE Select); coding-DNA position 1477, G replaced by T.
Protein change: p.Val493Phe; replaces valine 493 with phenylalanine.
Molecular consequence: missense variant.
Genome position (GRCh38, 1-based): chr8:28,717,536, G>T. VCF-style: chr8-28717536-G-T. GRCh37 (hg19) VCF-style: chr8-28575053-G-T.
Other names: c.1477G>T (NM_001440.2); short protein forms V493F.
Identifiers: ClinVar variation 1353301 (VCV001353301.6), dbSNP rs769679440, ClinGen allele CA4696227.